The following is an entry in ClinVar:

ClinVar aggregate classification (germline): Uncertain significance (1 of 4 stars; one submission).

Submission:

Labcorp Genetics (formerly Invitae), Labcorp
Classification: Uncertain significance. Last evaluated: 2025-10-22. Review status: criteria provided, single submitter. Criteria: Invitae Variant Classification Sherloc (09022015). Collection method: clinical testing. Allele origin: germline.
Comment: This sequence change replaces leucine, which is neutral and non-polar, with methionine, which is neutral and non-polar, at codon 18 of the GSN protein (p.Leu18Met). This variant is not present in population databases (gnomAD no frequency). This variant has not been reported in the literature in individuals affected with GSN-related conditions. An algorithm developed to predict the effect of missense changes on protein structure and function (PolyPhen-2) suggests that this variant is likely to be disruptive. In summary, the available evidence is currently insufficient to determine the role of this variant in disease. Therefore, it has been classified as a Variant of Uncertain Significance.

NM_198252.3(GSN):c.-9-2050C>A

Gene: GSN (gelsolin; plus strand). Cytogenetic location: 9q33.2.
Variant type: single nucleotide variant.
Coding change: c.-9-2050C>A on transcript NM_198252.3 (MANE Select); 2050 bases into the intron before 9 bases upstream of the start codon, C replaced by A.
Molecular consequence: intron variant. On other transcripts: missense variant (1).
Genome position (GRCh38, 1-based): chr9:121,299,913, C>A. VCF-style: chr9-121299913-C-A. GRCh37 (hg19) VCF-style: chr9-124062191-C-A.
Other names: c.52C>A, p.Leu18Met (NM_000177.5); c.-9-2050C>A (NM_001353054.1, NM_001353053.1, NM_001353060.2 and 5 more transcripts); c.-47-143C>A (NM_001353064.2, NM_001353066.2, NM_001353072.2 and 8 more transcripts); c.-1-2058C>A (NM_001353058.2, NM_001353059.2, NM_001353056.2 and 1 more transcripts); c.-38-152C>A (NM_001353073.2, NM_001353065.2, NM_001353068.2 and 2 more transcripts); c.100-2050C>A (NM_001127663.2); c.-32-158C>A (NM_001353070.2); c.-48-2011C>A (NM_001353055.2); and 3 more; short protein forms L18M.
Identifiers: ClinVar variation 4769879 (VCV004769879.1).